The following is an entry in ClinVar:

ClinVar aggregate classification (germline): Uncertain significance (1 of 4 stars; one submission).

Conditions:
Hereditary cancer-predisposing syndrome. Also called: Neoplastic Syndromes, Hereditary; Tumor predisposition; Hereditary Cancer Syndrome; Hereditary neoplastic syndrome. Identifiers: Orphanet 140162, MedGen C0027672, MeSH D009386, MONDO:0015356.

Submission:

Ambry Genetics
Classification: Uncertain significance for Hereditary cancer-predisposing syndrome. Last evaluated: 2025-05-14. Review status: criteria provided, single submitter. Criteria: Ambry Variant Classification Scheme 2023. Collection method: clinical testing. Allele origin: germline.
Comment: The p.S1165W variant (also known as c.3494C>G), located in coding exon 13 of the PALB2 gene, results from a C to G substitution at nucleotide position 3494. The serine at codon 1165 is replaced by tryptophan, an amino acid with highly dissimilar properties. This amino acid position is highly conserved in available vertebrate species. In addition, the in silico prediction for this alteration is inconclusive. Based on the available evidence, the clinical significance of this variant remains unclear.

NM_024675.4(PALB2):c.3494C>G (p.Ser1165Trp)

Gene: PALB2 (partner and localizer of BRCA2; minus strand). Cytogenetic location: 16p12.2.
Variant type: single nucleotide variant.
Coding change: c.3494C>G on transcript NM_024675.4 (MANE Select); coding-DNA position 3494, C replaced by G.
Protein change: p.Ser1165Trp; replaces serine 1165 with tryptophan.
Molecular consequence: missense variant.
Genome position (GRCh38, 1-based): chr16:23,603,526, G>C on the plus strand (C>G on the coding strand, the complement: PALB2 is on the minus strand). VCF-style: chr16-23603526-G-C. GRCh37 (hg19) VCF-style: chr16-23614847-G-C.
Other names: c.3434C>G, p.Ser1145Trp (NM_001407296.1); c.3422C>G, p.Ser1141Trp (NM_001407297.1); c.3332C>G, p.Ser1111Trp (NM_001407298.1); c.3257C>G, p.Ser1086Trp (NM_001407299.1); c.3215C>G, p.Ser1072Trp (NM_001407300.1); c.*129C>G (NM_001407301.1, NM_001407302.1, NM_001407310.1 and 2 more transcripts); c.2609C>G, p.Ser870Trp (NM_001407304.1, NM_001407305.1, NM_001407306.1); c.2447C>G, p.Ser816Trp (NM_001407307.1); and 3 more; short protein forms S1086W, S1111W, S1145W, S816W, S870W, S1072W, S1141W, S1165W.
Identifiers: ClinVar variation 1731971 (VCV001731971.3), dbSNP rs773829275, ClinGen allele CA395137921.